The following is an entry in ClinVar:

ClinVar aggregate classification (germline): Uncertain significance (1 of 4 stars; one submission).

Allele frequency attached by ClinVar (database versions not stated): TOPMed below 0.00001; gnomAD 0.00001; gnomAD exomes 0.00001.
gnomAD v4.1: 6 of 1,613,712 alleles (0.00037%); highest among the groups gnomAD compares: Non-Finnish European, 0.00051%; no homozygotes.

Submission:

Greenwood Genetic Center Diagnostic Laboratories, Greenwood Genetic Center
Classification: Uncertain significance. Last evaluated: 2021-02-12. Review status: criteria provided, single submitter. Criteria: ACMG Guidelines, 2015. Collection method: clinical testing. Allele origin: germline. Affected: yes.
Comment: PP3, PM2

NM_001099433.2(JAKMIP1):c.1471C>A (p.Leu491Met)

Gene: JAKMIP1 (janus kinase and microtubule interacting protein 1; minus strand). Cytogenetic location: 4p16.1.
Variant type: single nucleotide variant.
Coding change: c.1471C>A on transcript NM_001099433.2 (MANE Select); coding-DNA position 1471, C replaced by A.
Protein change: p.Leu491Met; replaces leucine 491 with methionine.
Molecular consequence: missense variant.
Genome position (GRCh38, 1-based): chr4:6,062,401, G>T on the plus strand (C>A on the coding strand, the complement: JAKMIP1 is on the minus strand). VCF-style: chr4-6062401-G-T. GRCh37 (hg19) VCF-style: chr4-6064128-G-T.
Other names: c.1471C>A, p.Leu491Met (NM_001306133.2, NM_144720.4); c.976C>A, p.Leu326Met (NM_001306134.2); short protein forms L326M, L491M.
Identifiers: ClinVar variation 1331573 (VCV001331573.4), dbSNP rs547846737, ClinGen allele CA91751139.